The following is an entry in ClinVar:

NM_001378418.1(TCF20):c.5077G>A (p.Val1693Ile)

Gene: TCF20 (transcription factor 20; minus strand). Cytogenetic location: 22q13.2.
Variant type: single nucleotide variant.
Coding change: c.5077G>A on transcript NM_001378418.1 (MANE Select); coding-DNA position 5077, G replaced by A.
Protein change: p.Val1693Ile; replaces valine 1693 with isoleucine.
Molecular consequence: missense variant.
Genome position (GRCh38, 1-based): chr22:42,210,229, C>T on the plus strand (G>A on the coding strand, the complement: TCF20 is on the minus strand). VCF-style: chr22-42210229-C-T. GRCh37 (hg19) VCF-style: chr22-42606235-C-T.
Other names: c.5077G>A, p.Val1693Ile (NM_005650.4, NM_181492.3); short protein forms V1693I.
Identifiers: ClinVar variation 2632698 (VCV002632698.1), dbSNP rs749809092, ClinGen allele CA411782640.

ClinVar aggregate classification (germline): Uncertain significance (1 of 4 stars; one submission).

Conditions:
TCF20-related disorder. Also called: TCF20-related condition.

gnomAD v4.1: 1 of 1,614,188 alleles (0.000062%); highest among the groups gnomAD compares: Non-Finnish European, 0.000085%; no homozygotes.

Submission:

PreventionGenetics, part of Exact Sciences
Classification: Uncertain significance for TCF20-related condition. Last evaluated: 2023-06-26. Review status: criteria provided, single submitter. Criteria: ACMG Guidelines, 2015. Collection method: clinical testing. Allele origin: germline.
Comment: The TCF20 c.5077G>A variant is predicted to result in the amino acid substitution p.Val1693Ile. To our knowledge, this variant has not been reported in the literature or in a large population database, indicating this variant is rare. At this time, the clinical significance of this variant is uncertain due to the absence of conclusive functional and genetic evidence.